The following is an entry in ClinVar:

ClinVar aggregate classification (germline): Likely benign. Review status: criteria provided, single submitter (1 of 4 stars). 2 submissions from 2 submitters: Likely benign (1). 1 of the submissions does not count toward it. Last evaluated 2025-03-25.

Conditions:
A4GALT-related disorder. Also called: A4GALT-related condition.

Allele frequency attached by ClinVar (database versions not stated): TOPMed 0.00011; ExAC 0.00007; ESP Exome Variant Server 0.00008; gnomAD 0.00011.
gnomAD v4.1: 255 of 1,613,318 alleles (0.016%); highest among the groups gnomAD compares: Non-Finnish European, 0.021%; 1 homozygote.

Submissions (2):

Labcorp Genetics (formerly Invitae), Labcorp
Classification: Likely benign. Last evaluated: 2025-03-25. Review status: criteria provided, single submitter. Criteria: Invitae Variant Classification Sherloc (09022015). Collection method: clinical testing. Allele origin: germline.

PreventionGenetics, part of Exact Sciences
Classification: Likely benign for A4GALT-related condition. Last evaluated: 2019-02-27. Review status: no assertion criteria provided. Collection method: clinical testing. Allele origin: germline. Not counted in ClinVar's aggregate classification.
Comment: This variant is classified as likely benign based on ACMG/AMP sequence variant interpretation guidelines (Richards et al. 2015 PMID: 25741868, with internal and published modifications).

NM_017436.7(A4GALT):c.306C>G (p.Ala102=)

Gene: A4GALT (alpha 1,4-galactosyltransferase (P1PK blood group); minus strand). Cytogenetic location: 22q13.2.
Variant type: single nucleotide variant.
Coding change: c.306C>G on transcript NM_017436.7 (MANE Select); coding-DNA position 306, C replaced by G.
Protein change: p.Ala102=; no amino-acid change (alanine 102 retained).
Molecular consequence: synonymous variant.
Genome position (GRCh38, 1-based): chr22:42,693,646, G>C on the plus strand (C>G on the coding strand, the complement: A4GALT is on the minus strand). VCF-style: chr22-42693646-G-C. GRCh37 (hg19) VCF-style: chr22-43089652-G-C.
Other names: c.306C>G, p.Ala102= (NM_001318038.3); c.306C>G (NM_017436.5).
Identifiers: ClinVar variation 2189448 (VCV002189448.6), dbSNP rs377301330, ClinGen allele CA10270332.